The following is an entry in ClinVar:

NM_001159773.2(CANT1):c.868G>A (p.Asp290Asn)

Gene: CANT1 (calcium activated nucleotidase 1; minus strand). Cytogenetic location: 17q25.3.
Variant type: single nucleotide variant.
Coding change: c.868G>A on transcript NM_001159773.2 (MANE Select); coding-DNA position 868, G replaced by A.
Protein change: p.Asp290Asn; replaces aspartic acid 290 with asparagine.
Molecular consequence: missense variant.
Genome position (GRCh38, 1-based): chr17:78,993,888, C>T on the plus strand (G>A on the coding strand, the complement: CANT1 is on the minus strand). VCF-style: chr17-78993888-C-T. GRCh37 (hg19) VCF-style: chr17-76989970-C-T.
Other names: c.868G>A, p.Asp290Asn (NM_001159772.2, NM_138793.4); short protein forms D290N.
Identifiers: ClinVar variation 1015248 (VCV001015248.8), dbSNP rs2070928985, ClinGen allele CA401306887.

ClinVar aggregate classification (germline): Uncertain significance (1 of 4 stars; one submission).

Allele frequency attached by ClinVar (database versions not stated): gnomAD exomes below 0.00001.
gnomAD v4.1: 1 of 1,592,566 alleles (0.000063%); highest among the groups gnomAD compares: Non-Finnish European, 0.000085%; no homozygotes.

Submission:

Labcorp Genetics (formerly Invitae), Labcorp
Classification: Uncertain significance. Last evaluated: 2022-10-31. Review status: criteria provided, single submitter. Criteria: Invitae Variant Classification Sherloc (09022015). Collection method: clinical testing. Allele origin: germline.
Comment: In summary, the available evidence is currently insufficient to determine the role of this variant in disease. Therefore, it has been classified as a Variant of Uncertain Significance. Advanced modeling of protein sequence and biophysical properties (such as structural, functional, and spatial information, amino acid conservation, physicochemical variation, residue mobility, and thermodynamic stability) performed at Invitae indicates that this missense variant is not expected to disrupt CANT1 protein function. ClinVar contains an entry for this variant (Variation ID: 1015248). This variant has not been reported in the literature in individuals affected with CANT1-related conditions. This variant is not present in population databases (gnomAD no frequency). This sequence change replaces aspartic acid, which is acidic and polar, with asparagine, which is neutral and polar, at codon 290 of the CANT1 protein (p.Asp290Asn).